The following is an entry in ClinVar:

NM_007186.6(CEP250):c.3983G>A (p.Arg1328His)

Gene: CEP250 (centrosomal protein 250; plus strand). Cytogenetic location: 20q11.22.
Variant type: single nucleotide variant.
Coding change: c.3983G>A on transcript NM_007186.6 (MANE Select); coding-DNA position 3983, G replaced by A.
Protein change: p.Arg1328His; replaces arginine 1328 with histidine.
Molecular consequence: missense variant.
Genome position (GRCh38, 1-based): chr20:35,501,929, G>A. VCF-style: chr20-35501929-G-A. GRCh37 (hg19) VCF-style: chr20-34089756-G-A.
Other names: c.2087G>A, p.Arg696His (NM_001318219.1); short protein forms R1328H, R696H.
Identifiers: ClinVar variation 1010711 (VCV001010711.8), dbSNP rs769794651, ClinGen allele CA9833626.

ClinVar aggregate classification (germline): Uncertain significance (1 of 4 stars; one submission).

Allele frequency attached by ClinVar (database versions not stated): ExAC 0.00001; gnomAD exomes 0.00001 and 0.00002.
gnomAD v4.1: 15 of 1,613,352 alleles (0.00093%); highest among the groups gnomAD compares: East Asian, 0.0022%; no homozygotes.

Submission:

Labcorp Genetics (formerly Invitae), Labcorp
Classification: Uncertain significance. Last evaluated: 2022-09-13. Review status: criteria provided, single submitter. Criteria: Invitae Variant Classification Sherloc (09022015). Collection method: clinical testing. Allele origin: germline.
Comment: This sequence change replaces arginine, which is basic and polar, with histidine, which is basic and polar, at codon 1328 of the CEP250 protein (p.Arg1328His). This variant is present in population databases (rs769794651, gnomAD 0.006%). This variant has not been reported in the literature in individuals affected with CEP250-related conditions. ClinVar contains an entry for this variant (Variation ID: 1010711). Algorithms developed to predict the effect of missense changes on protein structure and function output the following: SIFT: "Not Available"; PolyPhen-2: "Benign"; Align-GVGD: "Not Available". The histidine amino acid residue is found in multiple mammalian species, which suggests that this missense change does not adversely affect protein function. In summary, the available evidence is currently insufficient to determine the role of this variant in disease. Therefore, it has been classified as a Variant of Uncertain Significance.